The following is an entry in ClinVar:

ClinVar aggregate classification (germline): Uncertain significance (1 of 4 stars; one submission).

Conditions:
Vici syndrome (VICIS). Identifiers: Orphanet 1493, MedGen C1855772, MONDO:0009452, OMIM 242840.

gnomAD v4.1: 21 of 1,613,966 alleles (0.0013%); highest among the groups gnomAD compares: African/African-American, 0.004%; no homozygotes.

Submission:

Labcorp Genetics (formerly Invitae), Labcorp
Classification: Uncertain significance for Vici syndrome. Last evaluated: 2025-03-07. Review status: criteria provided, single submitter. Criteria: Invitae Variant Classification Sherloc (09022015). Collection method: clinical testing. Allele origin: germline.
Comment: This sequence change replaces aspartic acid, which is acidic and polar, with asparagine, which is neutral and polar, at codon 369 of the EPG5 protein (p.Asp369Asn). This variant is present in population databases (no rsID available, gnomAD 0.004%). This variant has not been reported in the literature in individuals affected with EPG5-related conditions. Invitae Evidence Modeling of protein sequence and biophysical properties (such as structural, functional, and spatial information, amino acid conservation, physicochemical variation, residue mobility, and thermodynamic stability) indicates that this missense variant is not expected to disrupt EPG5 protein function with a negative predictive value of 80%. In summary, the available evidence is currently insufficient to determine the role of this variant in disease. Therefore, it has been classified as a Variant of Uncertain Significance.

NM_020964.3(EPG5):c.1105G>A (p.Asp369Asn)

Gene: EPG5 (ectopic P-granules 5 autophagy tethering factor; minus strand). Cytogenetic location: 18q21.1.
Variant type: single nucleotide variant.
Coding change: c.1105G>A on transcript NM_020964.3 (MANE Select); coding-DNA position 1105, G replaced by A.
Protein change: p.Asp369Asn; replaces aspartic acid 369 with asparagine.
Molecular consequence: missense variant.
Genome position (GRCh38, 1-based): chr18:45,952,547, C>T on the plus strand (G>A on the coding strand, the complement: EPG5 is on the minus strand). VCF-style: chr18-45952547-C-T. GRCh37 (hg19) VCF-style: chr18-43532513-C-T.
Other names: c.1105G>A, p.Asp369Asn (NM_001410858.1, NM_001410859.1); short protein forms D369N.
Identifiers: ClinVar variation 4803765 (VCV004803765.1).